The following is an entry in ClinVar:

ClinVar aggregate classification (germline): Benign/Likely benign. Review status: criteria provided, multiple submitters, no conflicts (2 of 4 stars). 2 submissions from 2 submitters: Benign (1); Likely benign (1). Last evaluated 2024-10-21.

Conditions:
BAP1-related tumor predisposition syndrome (TPDS1). Also called: BAP1 tumor predisposition syndrome; Tumor susceptibility linked to germline BAP1 mutations; COMMON Syndrome; TUMOR PREDISPOSITION SYNDROME 1. Identifiers: Orphanet 289539, MedGen C3280492, MONDO:0013692, OMIM 614327.

Allele frequency attached by ClinVar (database versions not stated): gnomAD exomes below 0.00001; TOPMed below 0.00001.
gnomAD v4.1: 1 of 1,614,126 alleles (0.000062%); highest among the groups gnomAD compares: Non-Finnish European, 0.000085%; no homozygotes.

Submissions (2):

Labcorp Genetics (formerly Invitae), Labcorp
Classification: Likely benign for BAP1-related tumor predisposition syndrome. Last evaluated: 2024-10-21. Review status: criteria provided, single submitter. Criteria: Invitae Variant Classification Sherloc (09022015). Collection method: clinical testing. Allele origin: germline.

Myriad Genetics, Inc.
Classification: Benign for BAP1-related tumor predisposition syndrome. Last evaluated: 2024-07-15. Review status: criteria provided, single submitter. Criteria: Myriad Autosomal Dominant, Autosomal Recessive and X-Linked Classification Criteria (2023). Collection method: clinical testing. Allele origin: unknown.
Comment: This variant is considered benign. This variant is a silent/synonymous amino acid change and it is not expected to impact splicing.

NM_004656.4(BAP1):c.1044C>T (p.Pro348=)

Gene: BAP1 (BRCA1 associated deubiquitinase 1; minus strand). Cytogenetic location: 3p21.1.
Variant type: single nucleotide variant.
Coding change: c.1044C>T on transcript NM_004656.4 (MANE Select); coding-DNA position 1044, C replaced by T.
Protein change: p.Pro348=; no amino-acid change (proline 348 retained).
Molecular consequence: synonymous variant.
Genome position (GRCh38, 1-based): chr3:52,405,182, G>A on the plus strand (C>T on the coding strand, the complement: BAP1 is on the minus strand). VCF-style: chr3-52405182-G-A. GRCh37 (hg19) VCF-style: chr3-52439198-G-A.
Other names: c.990C>T, p.Pro330= (NM_001410772.1).
Identifiers: ClinVar variation 2740621 (VCV002740621.4), dbSNP rs1705108481, ClinGen allele CA433774895.